The following is an entry in ClinVar:

NM_032776.3(JMJD1C):c.4836_4841del (p.Lys1612_Val1613del)

Gene: JMJD1C (jumonji domain containing 1C; minus strand). Cytogenetic location: 10q21.3.
Variant type: Deletion.
Coding change: c.4836_4841del on transcript NM_032776.3 (MANE Select); coding-DNA positions 4836 to 4841, 6 bases deleted (AGTCAA; older notation c.4836_4841delAGTCAA).
Protein change: p.Lys1612_Val1613del.
Molecular consequence: inframe deletion. On other transcripts: non-coding transcript variant (1).
Genome position (GRCh38, 1-based): chr10:63,206,828-63,206,833, TTGACT deleted on the plus strand (AGTCAA on the coding strand, the reverse complement: JMJD1C is on the minus strand); deleting any 6 consecutive bases within chr10:63,206,828-63,206,835 gives the same sequence; the c. name uses the placement nearest the transcript's 3' end. VCF-style (leftmost placement, unchanged base first): chr10-63206827-GTTGACT-G. GRCh37 (hg19) VCF-style: chr10-64966587-GTTGACT-G.
Other names: c.4290_4295del, p.Lys1430_Val1431del (NM_001282948.2, NM_001318154.2); c.3972_3977del, p.Lys1324_Val1325del (NM_001318153.2); c.4722_4727del, p.Lys1574_Val1575del (NM_001322252.2); c.4179_4184del, p.Lys1393_Val1394del (NM_001322254.2, NM_001322258.2).
Identifiers: ClinVar variation 2144156 (VCV002144156.4), dbSNP rs760388794, ClinGen allele CA5518199.
Genomic context (GRCh38, chr10:63,206,827, plus strand): 5'-ACTTTCATCTGAGTCTCCACTTTCAGAGCCAGATTCATAAGTTCTTTTGGCTTTTCTCCT[GTTGACT>G]TTATCATCTTTTACATATTTATCAACTATGATCTTACTATCTACACTATTTTGTATATCA-3'

ClinVar aggregate classification (germline): Uncertain significance (1 of 4 stars; one submission).

Conditions:
Early Myoclonic Encephalopathy. Identifiers: MedGen C0270855.

Submission:

Labcorp Genetics (formerly Invitae), Labcorp
Classification: Uncertain significance for Early Myoclonic Encephalopathy. Last evaluated: 2022-03-18. Review status: criteria provided, single submitter. Criteria: Invitae Variant Classification Sherloc (09022015). Collection method: clinical testing. Allele origin: germline.
Comment: This variant, c.4836_4841del, results in the deletion of 2 amino acid(s) of the JMJD1C protein (p.Lys1612_Val1613del), but otherwise preserves the integrity of the reading frame. This variant is present in population databases (rs760388794, gnomAD 0.07%), and has an allele count higher than expected for a pathogenic variant. This variant has not been reported in the literature in individuals affected with JMJD1C-related conditions. Experimental studies and prediction algorithms are not available or were not evaluated, and the functional significance of this variant is currently unknown. In summary, the available evidence is currently insufficient to determine the role of this variant in disease. Therefore, it has been classified as a Variant of Uncertain Significance.